The following is an entry in ClinVar:

NM_003737.4(DCHS1):c.6576+7_6576+8delinsTT

Gene: DCHS1 (dachsous cadherin-related 1; minus strand). Cytogenetic location: 11p15.4.
Variant type: Indel.
Coding change: c.6576+7_6576+8delinsTT on transcript NM_003737.4 (MANE Select); bases 7 to 8 of the intron after coding-DNA position 6576, GG replaced by TT.
Molecular consequence: intron variant.
Genome position (GRCh38, 1-based): chr11:6,626,161-6,626,162, CC replaced by AA on the plus strand (GG replaced by TT on the coding strand, the reverse complement: DCHS1 is on the minus strand). VCF-style: chr11-6626161-CC-AA. GRCh37 (hg19) VCF-style: chr11-6647392-CC-AA.
Identifiers: ClinVar variation 2024810 (VCV002024810.4), dbSNP rs2493816465, ClinGen allele CA2580083999.
Genomic context (GRCh38, chr11:6,626,161, plus strand): 5'-CTGGTCTGGCCACAGACAAGTCTGACTAGCCCTGCTCCCCCGCCCAATCTTTCCATCACA[CC>AA]CCGCACCTGCAGCAGGGGCCCCTCCAAGGGCCGGGACTCAGGAAGGAAGGCCACATAATG-3'

ClinVar aggregate classification (germline): Uncertain significance (1 of 4 stars; one submission).

Submission:

Labcorp Genetics (formerly Invitae), Labcorp
Classification: Uncertain significance. Last evaluated: 2022-08-19. Review status: criteria provided, single submitter. Criteria: Invitae Variant Classification Sherloc (09022015). Collection method: clinical testing. Allele origin: germline.
Comment: This sequence change falls in intron 16 of the DCHS1 gene. It does not directly change the encoded amino acid sequence of the DCHS1 protein. Information on the frequency of this variant in the gnomAD database is not available, as this variant may be reported differently in the database. This variant has not been reported in the literature in individuals affected with DCHS1-related conditions. Experimental studies and prediction algorithms are not available or were not evaluated, and the effect of this variant on mRNA splicing is currently unknown. In summary, the available evidence is currently insufficient to determine the role of this variant in disease. Therefore, it has been classified as a Variant of Uncertain Significance.